The following is an entry in ClinVar:

ClinVar aggregate classification (germline): Likely benign. Review status: criteria provided, multiple submitters, no conflicts (2 of 4 stars). 5 submissions from 5 submitters: Likely benign (4). 1 of the submissions does not count toward it. Last evaluated 2024-04-05.

Conditions:
OTOG-related disorder. Also called: OTOG-related condition.

Allele frequency attached by ClinVar (database versions not stated): gnomAD 0.00019; TOPMed 0.00019; 1000 Genomes Project 30x 0.00016; gnomAD exomes 0.00007 and 0.00023; 1000 Genomes Project 0.00020; ExAC 0.00021.
gnomAD v4.1: 341 of 1,550,472 alleles (0.022%); highest among the groups gnomAD compares: Non-Finnish European, 0.028%; no homozygotes.

Submissions (5):

Labcorp Genetics (formerly Invitae), Labcorp
Classification: Likely benign. Last evaluated: 2024-04-05. Review status: criteria provided, single submitter. Criteria: Invitae Variant Classification Sherloc (09022015). Collection method: clinical testing. Allele origin: germline.

GeneDx
Classification: Likely benign. Last evaluated: 2021-03-18. Review status: criteria provided, single submitter. Criteria: GeneDx Variant Classification Process June 2021. Collection method: clinical testing. Allele origin: germline. Affected: yes.

Laboratory for Molecular Medicine, Mass General Brigham Personalized Medicine
Classification: Likely benign. Last evaluated: 2015-08-06. Review status: criteria provided, single submitter. Criteria: LMM Criteria. Collection method: clinical testing. Allele origin: germline. Observed: 1 variant allele.
Comment: p.Cys2499Cys in exon 43 of OTOG: This variant is not expected to have clinical s ignificance because it does not alter an amino acid residue and is not located w ithin the splice consensus sequence. It has been identified in 3/5048 of Europea n chromosomes by the Exome Aggregation Consortium (ExAC; dbSNP rs530992812).

Breakthrough Genomics
Classification: Likely benign. Review status: criteria provided, single submitter. Criteria: ACMG Guidelines, 2015. Collection method: not provided. Allele origin: germline. Inheritance: Autosomal recessive inheritance. Affected: yes.

PreventionGenetics, part of Exact Sciences
Classification: Likely benign for OTOG-related condition. Last evaluated: 2019-08-12. Review status: no assertion criteria provided. Collection method: clinical testing. Allele origin: germline. Not counted in ClinVar's aggregate classification.
Comment: This variant is classified as likely benign based on ACMG/AMP sequence variant interpretation guidelines (Richards et al. 2015 PMID: 25741868, with internal and published modifications).

NM_001292063.2(OTOG):c.7461C>T (p.Cys2487=)

Gene: OTOG (otogelin; plus strand). Cytogenetic location: 11p15.1.
Variant type: single nucleotide variant.
Coding change: c.7461C>T on transcript NM_001292063.2 (MANE Select); coding-DNA position 7461, C replaced by T.
Protein change: p.Cys2487=; no amino-acid change (cysteine 2487 retained).
Molecular consequence: synonymous variant.
Genome position (GRCh38, 1-based): chr11:17,634,262, C>T. VCF-style: chr11-17634262-C-T. GRCh37 (hg19) VCF-style: chr11-17655809-C-T.
Other names: c.7497C>T, p.Cys2499= (NM_001277269.2).
Identifiers: ClinVar variation 227793 (VCV000227793.18), dbSNP rs530992812, ClinGen allele CA5906130.